The following is an entry in ClinVar:

ClinVar aggregate classification (germline): Pathogenic. Review status: criteria provided, multiple submitters, no conflicts (2 of 4 stars). 2 submissions from 2 submitters: Pathogenic (2). Last evaluated 2023-03-19.

Conditions:
Glutaric aciduria, type 1. Also called: Glutaryl-CoA dehydrogenase deficiency; Glutaric Acidemia Type 1; GA I; Glutaricacidemia Type 1; Glutaric acidemia type I; Glutaricaciduria, type I. Identifiers: Orphanet 25, MedGen C0268595, MONDO:0009281, OMIM 231670.

Allele frequency attached by ClinVar (database versions not stated): gnomAD exomes below 0.00001.
gnomAD v4.1: 1 of 1,614,064 alleles (0.000062%); highest among the groups gnomAD compares: African/African-American, 0.0013%; no homozygotes.

Submissions (2):

Baylor Genetics
Classification: Pathogenic for Glutaric aciduria, type 1. Last evaluated: 2023-03-19. Review status: criteria provided, single submitter. Criteria: ACMG Guidelines, 2015. Collection method: clinical testing. Allele origin: unknown.

Labcorp Genetics (formerly Invitae), Labcorp
Classification: Pathogenic for Glutaric aciduria, type 1. Last evaluated: 2020-02-27. Review status: criteria provided, single submitter. Criteria: Invitae Variant Classification Sherloc (09022015). Collection method: clinical testing. Allele origin: germline.
Comment: This variant is not present in population databases (ExAC no frequency). This variant has been observed in individual(s) with clinical features of glutaric aciduria type 1 (PMID: 29665094, 30512148, Invitae). In at least one individual the data is consistent with the variant being in trans (on the opposite chromosome) from a pathogenic variant. Algorithms developed to predict the effect of missense changes on protein structure and function are either unavailable or do not agree on the potential impact of this missense change (SIFT: "Deleterious"; PolyPhen-2: "Probably Damaging"; Align-GVGD: "Class C0"). For these reasons, this variant has been classified as Pathogenic. This sequence change replaces alanine with valine at codon 378 of the GCDH protein (p.Ala378Val). The alanine residue is highly conserved and there is a small physicochemical difference between alanine and valine.

Literature cited by the submitters: PubMed 29665094 (cited by Labcorp Genetics (formerly Invitae), Labcorp); PubMed 30512148 (cited by Labcorp Genetics (formerly Invitae), Labcorp).

NM_000159.4(GCDH):c.1133C>T (p.Ala378Val)

Gene: GCDH (glutaryl-CoA dehydrogenase; plus strand). Cytogenetic location: 19p13.13.
Variant type: single nucleotide variant.
Coding change: c.1133C>T on transcript NM_000159.4 (MANE Select); coding-DNA position 1133, C replaced by T.
Protein change: p.Ala378Val; replaces alanine 378 with valine.
Molecular consequence: missense variant. On other transcripts: non-coding transcript variant (2).
Genome position (GRCh38, 1-based): chr19:12,897,753, C>T. VCF-style: chr19-12897753-C-T. GRCh37 (hg19) VCF-style: chr19-13008567-C-T.
Other names: c.1133C>T, p.Ala378Val (NM_013976.5); short protein forms A378V.
Identifiers: ClinVar variation 850067 (VCV000850067.11), dbSNP rs1970719648, ClinGen allele CA404321435.
Genomic context (GRCh38, chr19:12,897,753, plus strand): 5'-CCACTCCCAGGGCTGCCCCCGAGATGGTTTCTCTGCTGAAGAGGAATAACTGTGGGAAAG[C>T]CCTGGACATCGCCCGCCAGGCCCGAGACATGCTGGGGGGGAATGGGATTTCTGACGAGTA-3'
Protein context (NP_000150.1, residues 368-388): SLLKRNNCGK[Ala378Val]LDIARQARDM